The following is an entry in ClinVar:

NM_002161.6(IARS1):c.688C>T (p.Leu230=)

Gene: IARS1 (isoleucyl-tRNA synthetase 1; minus strand). Cytogenetic location: 9q22.31.
Variant type: single nucleotide variant.
Coding change: c.688C>T on transcript NM_002161.6 (MANE Select); coding-DNA position 688, C replaced by T.
Protein change: p.Leu230=; no amino-acid change (leucine 230 retained).
Molecular consequence: synonymous variant. On other transcripts: non-coding transcript variant (1).
Genome position (GRCh38, 1-based): chr9:92,280,803, G>A on the plus strand (C>T on the coding strand, the complement: IARS1 is on the minus strand). VCF-style: chr9-92280803-G-A. GRCh37 (hg19) VCF-style: chr9-95043085-G-A.
Other names: c.688C>T, p.Leu230= (NM_001374299.1, NM_001374300.1, NM_001374301.1 and 15 more transcripts); c.751C>T, p.Leu251= (NM_001378569.1); c.565C>T, p.Leu189= (NM_001378583.1).
Identifiers: ClinVar variation 2659305 (VCV002659305.24), dbSNP rs2490951134, ClinGen allele CA466024842.

ClinVar aggregate classification (germline): Likely benign (1 of 4 stars; one submission).

Submission:

CeGaT Center for Human Genetics Tuebingen
Classification: Likely benign. Last evaluated: 2022-07-01. Review status: criteria provided, single submitter. Criteria: CeGaT Center For Human Genetics Tuebingen Variant Classification Criteria Version 2. Collection method: clinical testing. Allele origin: germline. Affected: yes. Observed: 1 variant allele.
Comment: IARS1: PM2:Supporting, BP4, BP7